The following is an entry in ClinVar:

ClinVar aggregate classification (germline): Uncertain significance (1 of 4 stars; one submission).

Allele frequency attached by ClinVar (database versions not stated): gnomAD 0.00001; gnomAD exomes 0.00001 and 0.00003; TOPMed 0.00001; ExAC 0.00002; ESP Exome Variant Server 0.00008; 1000 Genomes Project 0.00020; 1000 Genomes Project 30x 0.00031.
gnomAD v4.1: 21 of 1,614,208 alleles (0.0013%); highest among the groups gnomAD compares: Admixed American, 0.0033%; no homozygotes.

Submission:

Labcorp Genetics (formerly Invitae), Labcorp
Classification: Uncertain significance. Last evaluated: 2022-06-20. Review status: criteria provided, single submitter. Criteria: Invitae Variant Classification Sherloc (09022015). Collection method: clinical testing. Allele origin: germline.
Comment: In summary, the available evidence is currently insufficient to determine the role of this variant in disease. Therefore, it has been classified as a Variant of Uncertain Significance. Algorithms developed to predict the effect of missense changes on protein structure and function are either unavailable or do not agree on the potential impact of this missense change (SIFT: "Not Available"; PolyPhen-2: "Benign"; Align-GVGD: "Not Available"). This variant has not been reported in the literature in individuals affected with CDH3-related conditions. This variant is present in population databases (rs376297466, gnomAD 0.009%). This sequence change replaces glutamine, which is neutral and polar, with arginine, which is basic and polar, at codon 450 of the CDH3 protein (p.Gln450Arg).

NM_001793.6(CDH3):c.1349A>G (p.Gln450Arg)

Gene: CDH3 (cadherin 3; plus strand). Cytogenetic location: 16q22.1.
Variant type: single nucleotide variant.
Coding change: c.1349A>G on transcript NM_001793.6 (MANE Select); coding-DNA position 1349, A replaced by G.
Protein change: p.Gln450Arg; replaces glutamine 450 with arginine.
Molecular consequence: missense variant.
Genome position (GRCh38, 1-based): chr16:68,684,749, A>G. VCF-style: chr16-68684749-A-G. GRCh37 (hg19) VCF-style: chr16-68718652-A-G.
Other names: c.1349A>G, p.Gln450Arg (NM_001317195.3); c.1184A>G, p.Gln395Arg (NM_001317196.2); short protein forms Q450R, Q395R.
Identifiers: ClinVar variation 1462325 (VCV001462325.6), dbSNP rs376297466, ClinGen allele CA8129334.